The following is an entry in ClinVar:

ClinVar aggregate classification (germline): Uncertain significance. Review status: criteria provided, multiple submitters, no conflicts (2 of 4 stars). 3 submissions from 3 submitters: Uncertain significance (2). 1 of the submissions does not count toward it. Last evaluated 2023-11-22.

Conditions:
CLCN4-related disorder. Identifiers: MedGen CN232948.

Allele frequency attached by ClinVar (database versions not stated): gnomAD 0.00001; TOPMed 0.00002.
gnomAD v4.1: 1 of 1,208,366 alleles (0.000083%); highest among the groups gnomAD compares: African/African-American, 0.0018%; no homozygotes.

Submissions (3):

Women's Health and Genetics/Laboratory Corporation of America, LabCorp
Classification: Uncertain significance. Last evaluated: 2023-11-22. Review status: criteria provided, single submitter. Criteria: LabCorp Variant Classification Summary - May 2015. Collection method: clinical testing. Allele origin: germline.
Comment: Variant summary: CLCN4 c.448A>C (p.Ile150Leu) results in a conservative amino acid change in the encoded protein sequence. Three of five in-silico tools predict a benign effect of the variant on protein function. The variant was absent in 182466 control chromosomes (gnomAD). The available data on variant occurrences in the general population are insufficient to allow any conclusion about variant significance. To our knowledge, no occurrence of c.448A>C in individuals affected with Raynaud-Claes Syndrome and no experimental evidence demonstrating its impact on protein function have been reported. One submitter has cited a clinical-significance assessment for this variant to ClinVar after 2014 and has classified the variant as uncertain significance. Based on the evidence outlined above, the variant was classified as uncertain significance.

Labcorp Genetics (formerly Invitae), Labcorp
Classification: Uncertain significance. Last evaluated: 2023-04-14. Review status: criteria provided, single submitter. Criteria: Invitae Variant Classification Sherloc (09022015). Collection method: clinical testing. Allele origin: germline.
Comment: In summary, the available evidence is currently insufficient to determine the role of this variant in disease. Therefore, it has been classified as a Variant of Uncertain Significance. Advanced modeling of protein sequence and biophysical properties (such as structural, functional, and spatial information, amino acid conservation, physicochemical variation, residue mobility, and thermodynamic stability) has been performed at Invitae for this missense variant, however the output from this modeling did not meet the statistical confidence thresholds required to predict the impact of this variant on CLCN4 protein function. ClinVar contains an entry for this variant (Variation ID: 1488688). This variant has not been reported in the literature in individuals affected with CLCN4-related conditions. This variant is not present in population databases (gnomAD no frequency). This sequence change replaces isoleucine, which is neutral and non-polar, with leucine, which is neutral and non-polar, at codon 150 of the CLCN4 protein (p.Ile150Leu).

PreventionGenetics, part of Exact Sciences
Classification: Uncertain significance for CLCN4-related condition. Last evaluated: 2024-06-15. Review status: no assertion criteria provided. Collection method: clinical testing. Allele origin: germline. Not counted in ClinVar's aggregate classification.
Comment: The CLCN4 c.448A>C variant is predicted to result in the amino acid substitution p.Ile150Leu. To our knowledge, this variant has not been reported in the literature or in a large population database, indicating this variant is rare. At this time, the clinical significance of this variant is uncertain due to the absence of conclusive functional and genetic evidence.

NM_001830.4(CLCN4):c.448A>C (p.Ile150Leu)

Gene: CLCN4 (chloride voltage-gated channel 4; plus strand). Cytogenetic location: Xp22.2.
Variant type: single nucleotide variant.
Coding change: c.448A>C on transcript NM_001830.4 (MANE Select); coding-DNA position 448, A replaced by C.
Protein change: p.Ile150Leu; replaces isoleucine 150 with leucine.
Molecular consequence: missense variant.
Genome position (GRCh38, 1-based): chrX:10,197,954, A>C. VCF-style: chrX-10197954-A-C. GRCh37 (hg19) VCF-style: chrX-10165994-A-C.
Other names: c.448A>C (NM_001830.3); c.166A>C, p.Ile56Leu (NM_001256944.2); short protein forms I56L, I150L.
Identifiers: ClinVar variation 1488688 (VCV001488688.8), dbSNP rs1281964124, ClinGen allele CA412034620.